The following is an entry in ClinVar:

NM_173560.4(RFX6):c.2543G>A (p.Gly848Asp)

Gene: RFX6 (regulatory factor X6; plus strand). Cytogenetic location: 6q22.1.
Variant type: single nucleotide variant.
Coding change: c.2543G>A on transcript NM_173560.4 (MANE Select); coding-DNA position 2543, G replaced by A.
Protein change: p.Gly848Asp; replaces glycine 848 with aspartic acid.
Molecular consequence: missense variant.
Genome position (GRCh38, 1-based): chr6:116,928,903, G>A. VCF-style: chr6-116928903-G-A. GRCh37 (hg19) VCF-style: chr6-117250066-G-A.
Other names: c.2543G>A (NM_173560.3); short protein forms G848D.
Identifiers: ClinVar variation 289404 (VCV000289404.9), dbSNP rs372758721, ClinGen allele CA3973569.

ClinVar aggregate classification (germline): Uncertain significance. Review status: criteria provided, multiple submitters, no conflicts (2 of 4 stars). 4 submissions from 4 submitters: Uncertain significance (4). Last evaluated 2025-02-21.

Conditions:
Inborn genetic diseases. Identifiers: MedGen C0950123, MeSH D030342.
Hypoplastic pancreas-intestinal atresia-hypoplastic gallbalder syndrome. Also called: DIABETES, NEONATAL, WITH PANCREATIC HYPOPLASIA, INTESTINAL ATRESIA, AND GALLBLADDER APLASIA OR HYPOPLASIA; Mitchell-Riley syndrome. Identifiers: Orphanet 293864, MedGen C2748662, MONDO:0017400, OMIM 615710.

Allele frequency attached by ClinVar (database versions not stated): gnomAD 0.00010 and 0.00011; ExAC 0.00002; ESP Exome Variant Server 0.00008; gnomAD exomes 0.00002 and 0.00001; TOPMed 0.00007.

Submissions (4):

Clinical Genomics Laboratory, Washington University in St. Louis
Classification: Uncertain significance for Hypoplastic pancreas-intestinal atresia-hypoplastic gallbalder syndrome. Last evaluated: 2025-02-21. Review status: criteria provided, single submitter. Criteria: ACMG Guidelines, 2015. Collection method: clinical testing. Allele origin: germline.
Comment: A RFX6 c.2543G>A (p.Gly848Asp) variant was identified in a heterozygous state. This variant, to our knowledge, has not been reported in the medical literature. It is observed on 7/282,840 alleles in the general population (gnomAD v.2.1.1). This variant has been reported in the ClinVar database as a germline variant of uncertain significance by three submitters (ClinVar ID: 289404). Computational predictors suggest that the variant does not impact RFX6 function. Due to limited information, and based on ACMG/AMP guidelines for variant interpretation (Richards S et al., PMID: 25741868), the clinical significance of the RFX6 c.2543G>A (p.Gly848Asp) variant is uncertain at this time.

Ambry Genetics
Classification: Uncertain significance for Inborn genetic diseases. Last evaluated: 2024-05-20. Review status: criteria provided, single submitter. Criteria: Ambry Variant Classification Scheme 2023. Collection method: clinical testing. Allele origin: germline.

Labcorp Genetics (formerly Invitae), Labcorp
Classification: Uncertain significance. Last evaluated: 2023-02-10. Review status: criteria provided, single submitter. Criteria: Invitae Variant Classification Sherloc (09022015). Collection method: clinical testing. Allele origin: germline.
Comment: In summary, the available evidence is currently insufficient to determine the role of this variant in disease. Therefore, it has been classified as a Variant of Uncertain Significance. Algorithms developed to predict the effect of missense changes on protein structure and function (SIFT, PolyPhen-2, Align-GVGD) all suggest that this variant is likely to be tolerated. ClinVar contains an entry for this variant (Variation ID: 289404). This variant has not been reported in the literature in individuals affected with RFX6-related conditions. This variant is present in population databases (rs372758721, gnomAD 0.03%). This sequence change replaces glycine, which is neutral and non-polar, with aspartic acid, which is acidic and polar, at codon 848 of the RFX6 protein (p.Gly848Asp).

Eurofins Ntd Llc (ga)
Classification: Uncertain significance. Last evaluated: 2016-07-11. Review status: criteria provided, single submitter. Criteria: EGL Classification Definitions 2015. Collection method: clinical testing. Allele origin: germline. Observed: 1 variant allele, 1 heterozygote.